The following is an entry in ClinVar:

ClinVar aggregate classification (germline): Uncertain significance (1 of 4 stars; one submission).

Conditions:
Dyskeratosis congenita, autosomal recessive 6 (DKCB6). Identifiers: MedGen C4225356, MONDO:0014600, OMIM 616353.
Pulmonary fibrosis and/or bone marrow failure, Telomere-related, 4. Also called: PULMONARY FIBROSIS AND/OR BONE MARROW FAILURE SYNDROME, TELOMERE-RELATED, 4. Identifiers: Orphanet 2032, MedGen C4225347, MONDO:0014612, OMIM 616371.

Allele frequency attached by ClinVar (database versions not stated): gnomAD 0.00005.
gnomAD v4.1: 7 of 1,605,706 alleles (0.00044%); highest among the groups gnomAD compares: Admixed American, 0.012%; 1 homozygote.

Submission:

Labcorp Genetics (formerly Invitae), Labcorp
Classification: Uncertain significance for Dyskeratosis congenita, autosomal recessive 6; Pulmonary fibrosis and/or bone marrow failure, Telomere-related, 4. Last evaluated: 2022-08-28. Review status: criteria provided, single submitter. Criteria: Invitae Variant Classification Sherloc (09022015). Collection method: clinical testing. Allele origin: germline.
Comment: In summary, the available evidence is currently insufficient to determine the role of this variant in disease. Therefore, it has been classified as a Variant of Uncertain Significance. This sequence change replaces tyrosine, which is neutral and polar, with histidine, which is basic and polar, at codon 552 of the PARN protein (p.Tyr552His). Algorithms developed to predict the effect of missense changes on protein structure and function output the following: SIFT: "Tolerated"; PolyPhen-2: "Benign"; Align-GVGD: "Class C0". The histidine amino acid residue is found in multiple mammalian species, which suggests that this missense change does not adversely affect protein function. This variant has not been reported in the literature in individuals affected with PARN-related conditions. This variant is not present in population databases (gnomAD no frequency). ClinVar contains an entry for this variant (Variation ID: 1427200).

NM_002582.4(PARN):c.1654T>C (p.Tyr552His)

Gene: PARN (poly(A)-specific ribonuclease; minus strand). Cytogenetic location: 16p13.12.
Variant type: single nucleotide variant.
Coding change: c.1654T>C on transcript NM_002582.4 (MANE Select); coding-DNA position 1654, T replaced by C.
Protein change: p.Tyr552His; replaces tyrosine 552 with histidine.
Molecular consequence: missense variant.
Genome position (GRCh38, 1-based): chr16:14,482,654, A>G on the plus strand (T>C on the coding strand, the complement: PARN is on the minus strand). VCF-style: chr16-14482654-A-G. GRCh37 (hg19) VCF-style: chr16-14576511-A-G.
Other names: c.1471T>C, p.Tyr491His (NM_001134477.3); c.1516T>C, p.Tyr506His (NM_001242992.2); short protein forms Y506H, Y491H, Y552H.
Identifiers: ClinVar variation 1427200 (VCV001427200.6), dbSNP rs965806129, ClinGen allele CA278954411.